The following is an entry in ClinVar:

ClinVar aggregate classification (germline): Uncertain significance (1 of 4 stars; one submission).

Conditions:
Primary familial hypertrophic cardiomyopathy (HCM). Identifiers: Orphanet 99739, MedGen C0949658, MeSH D024741, MONDO:0024573. Inheritance: Various modes of inheritance.

Allele frequency attached by ClinVar (database versions not stated): gnomAD 0.00001; gnomAD exomes 0.00002.
gnomAD v4.1: 10 of 1,614,032 alleles (0.00062%); highest among the groups gnomAD compares: African/African-American, 0.0053%; no homozygotes.

Submission:

Labcorp Genetics (formerly Invitae), Labcorp
Classification: Uncertain significance for Primary familial hypertrophic cardiomyopathy. Last evaluated: 2022-07-12. Review status: criteria provided, single submitter. Criteria: Invitae Variant Classification Sherloc (09022015). Collection method: clinical testing. Allele origin: germline.
Comment: In summary, the available evidence is currently insufficient to determine the role of this variant in disease. Therefore, it has been classified as a Variant of Uncertain Significance. Algorithms developed to predict the effect of missense changes on protein structure and function (SIFT, PolyPhen-2, Align-GVGD) all suggest that this variant is likely to be disruptive. ClinVar contains an entry for this variant (Variation ID: 1057874). This variant has not been reported in the literature in individuals affected with ILK-related conditions. This variant is present in population databases (no rsID available, gnomAD 0.003%). This sequence change replaces arginine, which is basic and polar, with glutamine, which is neutral and polar, at codon 225 of the ILK protein (p.Arg225Gln).

NM_004517.4(ILK):c.674G>A (p.Arg225Gln)

Genes: ILK (integrin linked kinase; plus strand), TAF10 (TATA-box binding protein associated factor 10; minus strand). Cytogenetic location: 11p15.4.
Variant type: single nucleotide variant.
Coding change: c.674G>A on transcript NM_004517.4 (MANE Select); coding-DNA position 674, G replaced by A.
Protein change: p.Arg225Gln; replaces arginine 225 with glutamine.
Molecular consequence: missense variant. On other transcripts: 3 prime UTR variant (1).
Genome position (GRCh38, 1-based): chr11:6,609,354, G>A. VCF-style: chr11-6609354-G-A. GRCh37 (hg19) VCF-style: chr11-6630585-G-A.
Other names: c.674G>A, p.Arg225Gln (NM_001014794.3, NM_001014795.3); c.491G>A, p.Arg164Gln (NM_001278441.2); c.272G>A, p.Arg91Gln (NM_001278442.2); c.*1568C>T (NM_006284.4); short protein forms R164Q, R225Q, R91Q.
Identifiers: ClinVar variation 1057874 (VCV001057874.9), dbSNP rs1315052873, ClinGen allele CA379461618.